The following is an entry in ClinVar:

ClinVar aggregate classification (germline): Uncertain significance (1 of 4 stars; one submission).

Allele frequency attached by ClinVar (database versions not stated): gnomAD exomes below 0.00001.
gnomAD v4.1: 1 of 1,614,184 alleles (0.000062%); highest among the groups gnomAD compares: Non-Finnish European, 0.000085%; no homozygotes.

Submission:

Labcorp Genetics (formerly Invitae), Labcorp
Classification: Uncertain significance. Last evaluated: 2022-04-29. Review status: criteria provided, single submitter. Criteria: Invitae Variant Classification Sherloc (09022015). Collection method: clinical testing. Allele origin: germline.
Comment: In summary, the available evidence is currently insufficient to determine the role of this variant in disease. Therefore, it has been classified as a Variant of Uncertain Significance. Algorithms developed to predict the effect of missense changes on protein structure and function (SIFT, PolyPhen-2, Align-GVGD) all suggest that this variant is likely to be tolerated. This variant has not been reported in the literature in individuals affected with CLCN6-related conditions. This variant is not present in population databases (gnomAD no frequency). This sequence change replaces proline, which is neutral and non-polar, with serine, which is neutral and polar, at codon 738 of the CLCN6 protein (p.Pro738Ser).

NM_001286.5(CLCN6):c.2212C>T (p.Pro738Ser)

Gene: CLCN6 (chloride voltage-gated channel 6; plus strand). Cytogenetic location: 1p36.22.
Variant type: single nucleotide variant.
Coding change: c.2212C>T on transcript NM_001286.5 (MANE Select); coding-DNA position 2212, C replaced by T.
Protein change: p.Pro738Ser; replaces proline 738 with serine.
Molecular consequence: missense variant. On other transcripts: non-coding transcript variant (1).
Genome position (GRCh38, 1-based): chr1:11,837,416, C>T. VCF-style: chr1-11837416-C-T. GRCh37 (hg19) VCF-style: chr1-11897473-C-T.
Other names: c.2146C>T, p.Pro716Ser (NM_001256959.2); short protein forms P738S, P716S.
Identifiers: ClinVar variation 1942356 (VCV001942356.5), dbSNP rs2523172229, ClinGen allele CA338440976.
Genomic context (GRCh38, chr1:11,837,416, plus strand): 5'-CCCAACCTATACCCTGACCAGTCCCCAAGTGAAGACTGGACCATGGAGGAGCGGTTCCGC[C>T]CTCTGACCTTCCACGGCCTGATCCTTCGGTCGCAGCTTGTCACCCTGCTTGTCCGAGGAG-3'
Protein context (NP_001277.2, residues 728-748): EDWTMEERFR[Pro738Ser]LTFHGLILRS